The following is an entry in ClinVar:

NM_145207.3(AFG2A):c.1667C>T (p.Ala556Val)

Gene: AFG2A (AAA ATPase AFG2A; plus strand). Cytogenetic location: 4q28.1.
Variant type: single nucleotide variant.
Coding change: c.1667C>T on transcript NM_145207.3 (MANE Select); coding-DNA position 1667, C replaced by T.
Protein change: p.Ala556Val; replaces alanine 556 with valine.
Molecular consequence: missense variant.
Genome position (GRCh38, 1-based): chr4:122,947,441, C>T. VCF-style: chr4-122947441-C-T. GRCh37 (hg19) VCF-style: chr4-123868596-C-T.
Other names: c.1664C>T, p.Ala555Val (NM_001317799.2, NM_001345856.2); short protein forms A555V, A556V.
Identifiers: ClinVar variation 1462575 (VCV001462575.7), dbSNP rs1468928668, ClinGen allele CA358108457.
Genomic context (GRCh38, chr4:122,947,441, plus strand): 5'-TGCTTCGAAGGGTACCCCATTTGCTCACTGAGGCTGAGCTGCTGCAGCTGGCAAATAGTG[C>T]TCATGGATACGTTGGAGCAGACTTGAAAGTCTTGTGTAATGAAGCAGGTGAGTGTGGTTT-3'
Protein context (NP_660208.2, residues 546-566): EAELLQLANS[Ala556Val]HGYVGADLKV

ClinVar aggregate classification (germline): Uncertain significance (1 of 4 stars; one submission).

Conditions:
Microcephaly-intellectual disability-sensorineural hearing loss-epilepsy-abnormal muscle tone syndrome (NEDHSB). Also called: NEURODEVELOPMENTAL DISORDER WITH HEARING LOSS, SEIZURES, AND BRAIN ABNORMALITIES. Identifiers: Orphanet 457351, MedGen C4225276, MONDO:0014698, OMIM 616577.

Submission:

Labcorp Genetics (formerly Invitae), Labcorp
Classification: Uncertain significance for Microcephaly-intellectual disability-sensorineural hearing loss-epilepsy-abnormal muscle tone syndrome. Last evaluated: 2022-07-12. Review status: criteria provided, single submitter. Criteria: Invitae Variant Classification Sherloc (09022015). Collection method: clinical testing. Allele origin: germline.
Comment: ClinVar contains an entry for this variant (Variation ID: 1462575). This sequence change replaces alanine, which is neutral and non-polar, with valine, which is neutral and non-polar, at codon 556 of the SPATA5 protein (p.Ala556Val). This variant is not present in population databases (gnomAD no frequency). This variant has not been reported in the literature in individuals affected with SPATA5-related conditions. Advanced modeling of protein sequence and biophysical properties (such as structural, functional, and spatial information, amino acid conservation, physicochemical variation, residue mobility, and thermodynamic stability) performed at Invitae indicates that this missense variant is expected to disrupt SPATA5 protein function. In summary, the available evidence is currently insufficient to determine the role of this variant in disease. Therefore, it has been classified as a Variant of Uncertain Significance.